The following is an entry in ClinVar:

ClinVar aggregate classification (germline): Likely benign. Review status: criteria provided, multiple submitters, no conflicts (2 of 4 stars). 3 submissions from 3 submitters: Likely benign (2). 1 of the submissions does not count toward it. Last evaluated 2026-07-01.

Conditions:
PUM1-related disorder. Also called: PUM1-related condition; PUM1-related disorders.

Allele frequency attached by ClinVar (database versions not stated): ExAC 0.00037; gnomAD 0.00044; gnomAD exomes 0.00048; ESP Exome Variant Server 0.00054; 1000 Genomes Project 0.00060; TOPMed 0.00061; 1000 Genomes Project 30x 0.00078.
gnomAD v4.1: 746 of 1,571,010 alleles (0.047%); highest among the groups gnomAD compares: Admixed American, 0.12%; 2 homozygotes.

Submissions (3):

CeGaT Center for Human Genetics Tuebingen
Classification: Likely benign. Last evaluated: 2026-07-01. Review status: criteria provided, single submitter. Criteria: CeGaT Center For Human Genetics Tuebingen Variant Classification Criteria Version 2. Collection method: clinical testing. Allele origin: germline. Affected: yes. Observed: 1 variant allele.
Comment: PUM1: BP4, BS1

Blueprint Genetics
Classification: Likely benign. Last evaluated: 2024-11-17. Review status: criteria provided, single submitter. Criteria: ACMG Guidelines, 2015. Collection method: clinical testing. Allele origin: germline.

PreventionGenetics, part of Exact Sciences
Classification: Likely benign for PUM1-related condition. Last evaluated: 2019-11-08. Review status: no assertion criteria provided. Collection method: clinical testing. Allele origin: germline. Not counted in ClinVar's aggregate classification.
Comment: This variant is classified as likely benign based on ACMG/AMP sequence variant interpretation guidelines (Richards et al. 2015 PMID: 25741868, with internal and published modifications).

NM_001020658.2(PUM1):c.354A>G (p.Ala118=)

Gene: PUM1 (pumilio RNA binding family member 1; minus strand). Cytogenetic location: 1p35.2.
Variant type: single nucleotide variant.
Coding change: c.354A>G on transcript NM_001020658.2 (MANE Select); coding-DNA position 354, A replaced by G.
Protein change: p.Ala118=; no amino-acid change (alanine 118 retained).
Molecular consequence: synonymous variant.
Genome position (GRCh38, 1-based): chr1:31,059,213, T>C on the plus strand (A>G on the coding strand, the complement: PUM1 is on the minus strand). VCF-style: chr1-31059213-T-C. GRCh37 (hg19) VCF-style: chr1-31532060-T-C.
Other names: c.354A>G, p.Ala118= (NM_014676.3).
Identifiers: ClinVar variation 3046214 (VCV003046214.4), dbSNP rs141470203, ClinGen allele CA729465.